The following is an entry in ClinVar:

ClinVar aggregate classification (germline): Uncertain significance (1 of 4 stars; one submission).

Conditions:
Candidiasis, familial, 9 (CANDF9). Identifiers: Orphanet 1334, MedGen C4225324, MONDO:0014642, OMIM 616445.

Allele frequency attached by ClinVar (database versions not stated): gnomAD exomes below 0.00001.
gnomAD v4.1: 1 of 1,597,168 alleles (0.000063%); highest among the groups gnomAD compares: Non-Finnish European, 0.000085%; no homozygotes.

Submission:

Labcorp Genetics (formerly Invitae), Labcorp
Classification: Uncertain significance for Candidiasis, familial, 9. Last evaluated: 2023-12-01. Review status: criteria provided, single submitter. Criteria: Invitae Variant Classification Sherloc (09022015). Collection method: clinical testing. Allele origin: germline.
Comment: This sequence change replaces proline, which is neutral and non-polar, with serine, which is neutral and polar, at codon 275 of the IL17RC protein (p.Pro275Ser). This variant is not present in population databases (gnomAD no frequency). This variant has not been reported in the literature in individuals affected with IL17RC-related conditions. An algorithm developed to predict the effect of missense changes on protein structure and function (PolyPhen-2) suggests that this variant is likely to be tolerated. In summary, the available evidence is currently insufficient to determine the role of this variant in disease. Therefore, it has been classified as a Variant of Uncertain Significance.

NM_153460.4(IL17RC):c.610C>T (p.Pro204Ser)

Gene: IL17RC (interleukin 17 receptor C; plus strand). Cytogenetic location: 3p25.3.
Variant type: single nucleotide variant.
Coding change: c.610C>T on transcript NM_153460.4 (MANE Select); coding-DNA position 610, C replaced by T.
Protein change: p.Pro204Ser; replaces proline 204 with serine.
Molecular consequence: missense variant. On other transcripts: intron variant (5).
Genome position (GRCh38, 1-based): chr3:9,920,957, C>T. VCF-style: chr3-9920957-C-T. GRCh37 (hg19) VCF-style: chr3-9962641-C-T.
Other names: c.610C>T, p.Pro204Ser (NM_001203263.2, NM_001203264.2, NM_001367278.1); c.823C>T, p.Pro275Ser (NM_153461.4); c.577+355C>T (NM_032732.6, NM_001367280.1, NM_001203265.2 and 1 more transcripts); c.502+355C>T (NM_001367279.1); short protein forms P204S, P275S.
Identifiers: ClinVar variation 2795915 (VCV002795915.3), dbSNP rs2470153843, ClinGen allele CA351758353.